The following is an entry in ClinVar:

NM_001097577.3(ANG):c.434G>A (p.Arg145His)

Genes: ANG (angiogenin; plus strand), EGILA (EGFR interacting lncRNA; minus strand), RNASE4 (ribonuclease A family member 4; plus strand). Cytogenetic location: 14q11.2.
Variant type: single nucleotide variant.
Coding change: c.434G>A on transcript NM_001097577.3 (MANE Select); coding-DNA position 434, G replaced by A.
Protein change: p.Arg145His; replaces arginine 145 with histidine.
Molecular consequence: missense variant. On other transcripts: intron variant (4).
Genome position (GRCh38, 1-based): chr14:20,693,998, G>A. VCF-style: chr14-20693998-G-A. GRCh37 (hg19) VCF-style: chr14-21162157-G-A.
Other names: c.434G>A, p.Arg145His (NM_001145.4, NM_001385271.1, NM_001385272.1 and 2 more transcripts); c.-18+348G>A (NM_001282192.2); c.-17-5357G>A (NM_002937.5, NM_001282193.2); c.-18+5124G>A (NM_194431.3); short protein forms R145H.
Identifiers: ClinVar variation 1447658 (VCV001447658.9), dbSNP rs763580010, ClinGen allele CA7083195.

ClinVar aggregate classification (germline): Conflicting classifications of pathogenicity. Review status: criteria provided, conflicting classifications (1 of 4 stars). 2 submissions from 2 submitters: Uncertain significance (1); Likely benign (1). Last evaluated 2025-12-03.

Allele frequency attached by ClinVar (database versions not stated): gnomAD 0.00002; gnomAD exomes 0.00002; TOPMed 0.00002; ExAC 0.00003.
gnomAD v4.1: 34 of 1,613,900 alleles (0.0021%); highest among the groups gnomAD compares: South Asian, 0.0055%; no homozygotes.

Submissions (2):

Labcorp Genetics (formerly Invitae), Labcorp
Classification: Uncertain significance. Last evaluated: 2025-12-03. Review status: criteria provided, single submitter. Criteria: Invitae Variant Classification Sherloc (09022015). Collection method: clinical testing. Allele origin: germline.
Comment: This sequence change replaces arginine, which is basic and polar, with histidine, which is basic and polar, at codon 145 of the ANG protein (p.Arg145His). This variant is present in population databases (rs763580010, gnomAD 0.006%). This missense change has been observed in individual(s) with clinical features of amyotrophic lateral sclerosis (PMID: 18852347, 20577002, 22190368). This variant is also known as Arg121His and R121H. ClinVar contains an entry for this variant (Variation ID: 1447658). An algorithm developed to predict the effect of missense changes on protein structure and function (PolyPhen-2) suggests that this variant is likely to be tolerated. Experimental studies have shown that this missense change affects ANG function (PMID: 23047679). In summary, the available evidence is currently insufficient to determine the role of this variant in disease. Therefore, it has been classified as a Variant of Uncertain Significance.

GeneDx
Classification: Likely benign. Last evaluated: 2023-07-17. Review status: criteria provided, single submitter. Criteria: GeneDx Variant Classification Process June 2021. Collection method: clinical testing. Allele origin: germline. Affected: yes.
Comment: See Variant Classification Assertion Criteria.

Literature cited by the submitters: PubMed 18852347 (cited by Labcorp Genetics (formerly Invitae), Labcorp); PubMed 20577002 (cited by Labcorp Genetics (formerly Invitae), Labcorp); PubMed 22190368 (cited by Labcorp Genetics (formerly Invitae), Labcorp); PubMed 23047679 (cited by Labcorp Genetics (formerly Invitae), Labcorp).